The following is an entry in ClinVar:

NM_004722.4(AP4M1):c.63_64del (p.Asp23fs)

Gene: AP4M1 (adaptor related protein complex 4 subunit mu 1; plus strand). Cytogenetic location: 7q22.1.
Variant type: Microsatellite.
Coding change: c.63_64del on transcript NM_004722.4 (MANE Select); coding-DNA positions 63 to 64, 2 bases deleted (CG; older notation c.63_64delCG).
Protein change: p.Asp23fs; shifts the reading frame from aspartic acid 23.
Molecular consequence: frameshift variant.
Genome position (GRCh38, 1-based): chr7:100,101,884-100,101,885, CG deleted; deleting any 2 consecutive bases within chr7:100,101,882-100,101,885 gives the same sequence; the c. name uses the placement nearest the transcript's 3' end. VCF-style (leftmost placement, unchanged base first): chr7-100101881-CCG-C. GRCh37 (hg19) VCF-style: chr7-99699504-CCG-C.
Other names: c.63_64del, p.Asp23fs (NM_001363671.2); short protein forms D23fs.
Identifiers: ClinVar variation 3016128 (VCV003016128.3), dbSNP rs2546946932, ClinGen allele CA2740097428.

ClinVar aggregate classification (germline): Pathogenic (1 of 4 stars; one submission).

Conditions:
Hereditary spastic paraplegia 50 (SPG50). Also called: Spastic paraplegia 50, autosomal recessive. Identifiers: Orphanet 280763, MedGen C2752008, MONDO:0013048, OMIM 612936.

Submission:

Labcorp Genetics (formerly Invitae), Labcorp
Classification: Pathogenic for Hereditary spastic paraplegia 50. Last evaluated: 2023-12-17. Review status: criteria provided, single submitter. Criteria: Invitae Variant Classification Sherloc (09022015). Collection method: clinical testing. Allele origin: germline.
Comment: This sequence change creates a premature translational stop signal (p.Asp23Glnfs*92) in the AP4M1 gene. It is expected to result in an absent or disrupted protein product. Loss-of-function variants in AP4M1 are known to be pathogenic (PMID: 24700674, 25496299, 25558065). This variant is not present in population databases (gnomAD no frequency). This variant has not been reported in the literature in individuals affected with AP4M1-related conditions. For these reasons, this variant has been classified as Pathogenic.

Literature cited by the submitters: PubMed 24700674; PubMed 25496299; PubMed 25558065.